The following is an entry in ClinVar:

NM_000260.4(MYO7A):c.6297del (p.Phe2100fs)

Gene: MYO7A (myosin VIIA; plus strand). Cytogenetic location: 11q13.5.
Variant type: Deletion.
Coding change: c.6297del on transcript NM_000260.4 (MANE Select); coding-DNA position 6297, one base deleted (C; older notation c.6297delC).
Protein change: p.Phe2100fs; shifts the reading frame from phenylalanine 2100.
Molecular consequence: frameshift variant.
Genome position (GRCh38, 1-based): chr11:77,211,880, C deleted; the last of 2 consecutive C bases (chr11:77,211,879-77,211,880); deleting either gives the same sequence. VCF-style (leftmost placement, unchanged base first): chr11-77211878-GC-G. GRCh37 (hg19) VCF-style: chr11-76922923-GC-G.
Other names: c.6183del, p.Phe2062fs (NM_001127180.2); c.6150del, p.Phe2051fs (NM_001369365.1); short protein forms F2051fs, F2062fs, F2100fs.
Identifiers: ClinVar variation 1071807 (VCV001071807.7), dbSNP rs2135790890, ClinGen allele CA2499221345.

ClinVar aggregate classification (germline): Pathogenic (1 of 4 stars; one submission).

Submission:

Labcorp Genetics (formerly Invitae), Labcorp
Classification: Pathogenic. Last evaluated: 2020-06-23. Review status: criteria provided, single submitter. Criteria: Invitae Variant Classification Sherloc (09022015). Collection method: clinical testing. Allele origin: germline.
Comment: This sequence change creates a premature translational stop signal (p.Phe2100Serfs*2) in the MYO7A gene. It is expected to result in an absent or disrupted protein product. This variant is not present in population databases (ExAC no frequency). This variant has not been reported in the literature in individuals with MYO7A-related conditions. Loss-of-function variants in MYO7A are known to be pathogenic (PMID: 8900236, 25404053). For these reasons, this variant has been classified as Pathogenic.

Literature cited by the submitters: PubMed 8900236; PubMed 25404053.